The following is an entry in ClinVar:

NM_001318852.2(MAPK8IP3):c.2827G>C (p.Gly943Arg)

Gene: MAPK8IP3 (mitogen-activated protein kinase 8 interacting protein 3; plus strand). Cytogenetic location: 16p13.3.
Variant type: single nucleotide variant.
Coding change: c.2827G>C on transcript NM_001318852.2 (MANE Select); coding-DNA position 2827, G replaced by C.
Protein change: p.Gly943Arg; replaces glycine 943 with arginine.
Molecular consequence: missense variant.
Genome position (GRCh38, 1-based): chr16:1,766,536, G>C. VCF-style: chr16-1766536-G-C. GRCh37 (hg19) VCF-style: chr16-1816537-G-C.
Other names: c.2806G>C, p.Gly936Arg (NM_001040439.2); c.2824G>C, p.Gly942Arg (NM_015133.5); short protein forms G936R, G942R, G943R.
Identifiers: ClinVar variation 3367654 (VCV003367654.1).

ClinVar aggregate classification (germline): Uncertain significance (1 of 4 stars; one submission).

gnomAD v4.1: 1 of 1,611,608 alleles (0.000062%); highest among the groups gnomAD compares: Non-Finnish European, 0.000085%; no homozygotes.

Submission:

GeneDx
Classification: Uncertain significance. Last evaluated: 2024-01-12. Review status: criteria provided, single submitter. Criteria: GeneDx Variant Classification Process June 2021. Collection method: clinical testing. Allele origin: germline. Affected: yes.
Comment: Not observed at significant frequency in large population cohorts (gnomAD); In silico analysis supports that this missense variant does not alter protein structure/function; Has not been previously published as pathogenic or benign to our knowledge